The following is an entry in ClinVar:

NM_020461.4(TUBGCP6):c.5316C>T (p.Leu1772=)

Gene: TUBGCP6 (tubulin gamma complex component 6; minus strand). Cytogenetic location: 22q13.33.
Variant type: single nucleotide variant.
Coding change: c.5316C>T on transcript NM_020461.4 (MANE Select); coding-DNA position 5316, C replaced by T.
Protein change: p.Leu1772=; no amino-acid change (leucine 1772 retained).
Molecular consequence: synonymous variant.
Genome position (GRCh38, 1-based): chr22:50,217,970, G>A on the plus strand (C>T on the coding strand, the complement: TUBGCP6 is on the minus strand). VCF-style: chr22-50217970-G-A. GRCh37 (hg19) VCF-style: chr22-50656399-G-A.
Other names: c.5316C>T (NM_020461.3).
Identifiers: ClinVar variation 1549796 (VCV001549796.11), dbSNP rs752556540, ClinGen allele CA10307079.
Genomic context (GRCh38, chr22:50,217,970, plus strand): 5'-GGCCTCACCTTTGAAGAGAAAGTGGGAGTAGTACTTGAAGGTGTTGTAGGACTGCTGCAT[G>A]AGTGCAAAGTTGGGGTGCTCTGCACCCCGCGGGCCCCCAGGGGGCCCCCAGGCCTGGGAG-3'
Protein context (NP_065194.3, residues 1762-1782): PRGAEHPNFA[Leu1772=]MQQSYNTFKY

ClinVar aggregate classification (germline): Likely benign. Review status: criteria provided, multiple submitters, no conflicts (2 of 4 stars). 3 submissions from 3 submitters: Likely benign (2). 1 of the submissions does not count toward it. Last evaluated 2025-08-11.

Conditions:
TUBGCP6-related disorder. Also called: TUBGCP6-related condition.

Allele frequency attached by ClinVar (database versions not stated): gnomAD 0.00001 and 0.00005; TOPMed 0.00002; gnomAD exomes 0.00013; ExAC 0.00017.

Submissions (3):

Labcorp Genetics (formerly Invitae), Labcorp
Classification: Likely benign. Last evaluated: 2025-08-11. Review status: criteria provided, single submitter. Criteria: Invitae Variant Classification Sherloc (09022015). Collection method: clinical testing. Allele origin: germline.

Blueprint Genetics
Classification: Likely benign. Last evaluated: 2024-07-10. Review status: criteria provided, single submitter. Criteria: ACMG Guidelines, 2015. Collection method: clinical testing. Allele origin: germline.

PreventionGenetics, part of Exact Sciences
Classification: Likely benign for TUBGCP6-related condition. Last evaluated: 2019-05-14. Review status: no assertion criteria provided. Collection method: clinical testing. Allele origin: germline. Not counted in ClinVar's aggregate classification.
Comment: This variant is classified as likely benign based on ACMG/AMP sequence variant interpretation guidelines (Richards et al. 2015 PMID: 25741868, with internal and published modifications).